The following is an entry in ClinVar:

NM_000179.3(MSH6):c.3567_3569del (p.Phe1191del)

Gene: MSH6 (mutS homolog 6; plus strand). Cytogenetic location: 2p16.3.
Variant type: Deletion.
Coding change: c.3567_3569del on transcript NM_000179.3 (MANE Select); coding-DNA positions 3567 to 3569, 3 bases deleted (ATT; older notation c.3567_3569delATT).
Protein change: p.Phe1191del; deletes phenylalanine 1191.
Molecular consequence: inframe deletion. On other transcripts: inframe indel (38).
Genome position (GRCh38, 1-based): chr2:47,805,628-47,805,630, ATT deleted. VCF-style (leftmost placement, unchanged base first): chr2-47805627-CATT-C. GRCh37 (hg19) VCF-style: chr2-48032766-CATT-C.
Other names: c.3573_3575delATT, p.Phe1193del (NM_001406813.1); c.2661_2663delATT, p.Phe889del (NM_001406814.1, NM_001406815.1, NM_001406816.1 and 4 more transcripts); c.2001_2003delATT, p.Phe669del (NM_001406817.1); c.3270_3272delATT, p.Phe1092del (NM_001406818.1, NM_001406819.1, NM_001406820.1 and 10 more transcripts); c.3399_3401delATT, p.Phe1135del (NM_001406826.1); c.348_350delATT, p.Phe118del (NM_001406831.1); c.414_416delATT, p.Phe140del (NM_001406832.1); c.1512_1514delATT, p.Phe506del (NM_001407362.1); and 8 more; short protein forms F669del, F903del, F118del, F1223del, F889del, F1016del, F1191del, F1061del.
Identifiers: ClinVar variation 1732747 (VCV001732747.2), dbSNP rs2530821609, ClinGen allele CA2580067232.

ClinVar aggregate classification (germline): Uncertain significance (1 of 4 stars; one submission).

Conditions:
Hereditary cancer-predisposing syndrome. Also called: Neoplastic Syndromes, Hereditary; Tumor predisposition; Hereditary Cancer Syndrome; Hereditary neoplastic syndrome. Identifiers: Orphanet 140162, MedGen C0027672, MeSH D009386, MONDO:0015356.

Submission:

Ambry Genetics
Classification: Uncertain significance for Hereditary cancer-predisposing syndrome. Last evaluated: 2022-05-26. Review status: criteria provided, single submitter. Criteria: Ambry Variant Classification Scheme 2023. Collection method: clinical testing. Allele origin: germline.
Comment: The c.3567_3569delATT variant (also known as p.F1191del) is located in coding exon 7 of the MSH6 gene. This variant results from an in-frame ATT deletion at nucleotide positions 3567 to 3569. This results in the in-frame deletion of a phenylalanine at codon 1191. This amino acid position is highly conserved in available vertebrate species. In addition, this alteration is predicted to be deleterious by in silico analysis (Choi Y et al. PLoS ONE. 2012; 7(10):e46688). Since supporting evidence is limited at this time, the clinical significance of this alteration remains unclear.